The following is an entry in ClinVar:

NM_138395.4(MARS2):c.1204_1318del (p.Ala402fs)

Gene: MARS2 (methionyl-tRNA synthetase 2, mitochondrial; plus strand). Cytogenetic location: 2q33.1.
Variant type: Deletion.
Coding change: c.1204_1318del on transcript NM_138395.4 (MANE Select); coding-DNA positions 1204 to 1318, 115 bases deleted.
Protein change: p.Ala402fs; shifts the reading frame from alanine 402.
Molecular consequence: frameshift variant.
Genome position (GRCh38, 1-based): chr2:197,706,609-197,706,723, 115 bases deleted. GRCh37 (hg19): chr2:198,571,333-198,571,447.
Other names: short protein forms A402fs.
Identifiers: ClinVar variation 1501488 (VCV001501488.7), dbSNP rs2106293132, ClinGen allele CA538917122.

ClinVar aggregate classification (germline): Uncertain significance (1 of 4 stars; one submission).

Allele frequency attached by ClinVar (database versions not stated): gnomAD 0.00001.

Submission:

Labcorp Genetics (formerly Invitae), Labcorp
Classification: Uncertain significance. Last evaluated: 2020-11-18. Review status: criteria provided, single submitter. Criteria: Invitae Variant Classification Sherloc (09022015). Collection method: clinical testing. Allele origin: germline.
Comment: This variant has not been reported in the literature in individuals with MARS2-related conditions. This sequence change creates a premature translational stop signal (p.Ala402Phefs*11) in the MARS2 gene. While this is not anticipated to result in nonsense mediated decay, it is expected to disrupt the last 192 amino acid(s) of the MARS2 protein. This variant is not present in population databases (ExAC no frequency). Experimental studies and prediction algorithms are not available or were not evaluated, and the functional significance of this variant is currently unknown. In summary, the available evidence is currently insufficient to determine the role of this variant in disease. Therefore, it has been classified as a Variant of Uncertain Significance.